The following is an entry in ClinVar:

ClinVar aggregate classification (germline): Likely pathogenic (1 of 4 stars; one submission).

Conditions:
ADAR-related disorder. Also called: ADAR-related condition; ADAR-related disorders.

Submission:

PreventionGenetics, part of Exact Sciences
Classification: Likely pathogenic for ADAR-related condition. Last evaluated: 2022-10-25. Review status: criteria provided, single submitter. Criteria: ACMG Guidelines, 2015. Collection method: clinical testing. Allele origin: germline.
Comment: The ADAR c.1483A>T variant is predicted to result in premature protein termination (p.Lys495*). To our knowledge, this variant has not been reported in the literature or in a large population database, indicating this variant is rare. Nonsense variants in ADAR are expected to be pathogenic. This variant is interpreted as likely pathogenic.

NM_001111.5(ADAR):c.1483A>T (p.Lys495Ter)

Gene: ADAR (adenosine deaminase RNA specific; minus strand). Cytogenetic location: 1q21.3.
Variant type: single nucleotide variant.
Coding change: c.1483A>T on transcript NM_001111.5 (MANE Select); coding-DNA position 1483, A replaced by T.
Protein change: p.Lys495Ter; replaces lysine 495 with a stop codon.
Molecular consequence: nonsense.
Genome position (GRCh38, 1-based): chr1:154,601,159, T>A on the plus strand (A>T on the coding strand, the complement: ADAR is on the minus strand). VCF-style: chr1-154601159-T-A. GRCh37 (hg19) VCF-style: chr1-154573635-T-A.
Other names: c.598A>T, p.Lys200Ter (NM_001025107.3, NM_001193495.2, NM_001365046.1 and 3 more transcripts); c.1510A>T, p.Lys504Ter (NM_001365045.1); c.1483A>T, p.Lys495Ter (NM_015840.4, NM_015841.4); short protein forms K200*, K495*, K504*.
Identifiers: ClinVar variation 2628407 (VCV002628407.1), dbSNP rs2526646459, ClinGen allele CA342596179.